The following is an entry in ClinVar:

ClinVar aggregate classification (germline): Likely benign (0 of 4 stars; one submission).

Conditions:
SOX3-related disorder. Also called: SOX3-related condition; SOX3-Related Disorders.

Submission:

PreventionGenetics, part of Exact Sciences
Classification: Likely benign for SOX3-related condition. Last evaluated: 2019-06-12. Review status: no assertion criteria provided. Collection method: clinical testing. Allele origin: germline.
Comment: This variant is classified as likely benign based on ACMG/AMP sequence variant interpretation guidelines (Richards et al. 2015 PMID: 25741868, with internal and published modifications).

NM_005634.3(SOX3):c.870GCC[3] (p.Pro294del)

Gene: SOX3 (SRY-box transcription factor 3; minus strand). Cytogenetic location: Xq27.1.
Variant type: Microsatellite.
Coding change: c.870GCC[3] on transcript NM_005634.3 (MANE Select); three copies in a row of the 3-base unit GCC starting at c.870; the reference has four copies in a row; one copy, 3 bases deleted.
Protein change: p.Pro294del; deletes proline 294.
Genome position (GRCh38, 1-based): chrX:140,504,180-140,504,182, GGC deleted on the plus strand (GCC on the coding strand, the reverse complement: SOX3 is on the minus strand); deleting any 3 consecutive bases within chrX:140,504,180-140,504,193 gives the same sequence; the position shown is the placement nearest the transcript's 3' end. VCF-style (leftmost placement, unchanged base first): chrX-140504179-GGGC-G. GRCh37 (hg19) VCF-style: chrX-139586344-GGGC-G.
Other names: short protein forms P294del.
Identifiers: ClinVar variation 3059542 (VCV003059542.2), dbSNP rs780865346, ClinGen allele CA10531614.